The following is an entry in ClinVar:

ClinVar aggregate classification (germline): Uncertain significance (1 of 4 stars; one submission).

Conditions:
Aicardi-Goutieres syndrome 2. Identifiers: Orphanet 51, MedGen C3489724, MONDO:0012429, OMIM 610181.

Submission:

Labcorp Genetics (formerly Invitae), Labcorp
Classification: Uncertain significance for Aicardi-Goutieres syndrome 2. Last evaluated: 2023-08-24. Review status: criteria provided, single submitter. Criteria: Invitae Variant Classification Sherloc (09022015). Collection method: clinical testing. Allele origin: germline.
Comment: This sequence change results in a frameshift in the RNASEH2B gene (p.Gly310Glufs*25). While this is not anticipated to result in nonsense mediated decay, it is expected to disrupt the last 3 amino acid(s) of the RNASEH2B protein and extend the protein by 21 additional amino acid residues. This variant is not present in population databases (gnomAD no frequency). This variant has not been reported in the literature in individuals affected with RNASEH2B-related conditions. ClinVar contains an entry for this variant (Variation ID: 1515807). Experimental studies and prediction algorithms are not available or were not evaluated, and the functional significance of this variant is currently unknown. In summary, the available evidence is currently insufficient to determine the role of this variant in disease. Therefore, it has been classified as a Variant of Uncertain Significance.

NM_024570.4(RNASEH2B):c.929del (p.Gly310fs)

Gene: RNASEH2B (ribonuclease H2 subunit B; plus strand). Cytogenetic location: 13q14.3.
Variant type: Deletion.
Coding change: c.929del on transcript NM_024570.4 (MANE Select); coding-DNA position 929, one base deleted (G; older notation c.929delG).
Protein change: p.Gly310fs; shifts the reading frame from glycine 310.
Molecular consequence: frameshift variant. On other transcripts: intron variant (1).
Genome position (GRCh38, 1-based): chr13:50,956,464, G deleted; the last of 2 consecutive G bases (chr13:50,956,463-50,956,464); deleting either gives the same sequence. VCF-style (leftmost placement, unchanged base first): chr13-50956462-TG-T. GRCh37 (hg19) VCF-style: chr13-51530598-TG-T.
Other names: c.741+6959del (NM_001142279.2); short protein forms G310fs.
Identifiers: ClinVar variation 1515807 (VCV001515807.6), dbSNP rs1952051723, ClinGen allele CA2091108552.